The following is an entry in ClinVar:

NM_024753.5(TTC21B):c.3119A>G (p.Asn1040Ser)

Gene: TTC21B (tetratricopeptide repeat domain 21B; minus strand). Cytogenetic location: 2q24.3.
Variant type: single nucleotide variant.
Coding change: c.3119A>G on transcript NM_024753.5 (MANE Select); coding-DNA position 3119, A replaced by G.
Protein change: p.Asn1040Ser; replaces asparagine 1040 with serine.
Molecular consequence: missense variant.
Genome position (GRCh38, 1-based): chr2:165,890,623, T>C on the plus strand (A>G on the coding strand, the complement: TTC21B is on the minus strand). VCF-style: chr2-165890623-T-C. GRCh37 (hg19) VCF-style: chr2-166747133-T-C.
Other names: short protein forms N1040S.
Identifiers: ClinVar variation 1375350 (VCV001375350.6), dbSNP rs2105291721, ClinGen allele CA349048146.

ClinVar aggregate classification (germline): Uncertain significance (1 of 4 stars; one submission).

Conditions:
Nephronophthisis. Also called: Juvenile Nephronophthisis. Identifiers: Orphanet 655, MedGen C0687120, MONDO:0019005, HP:0000090.
Jeune thoracic dystrophy. Also called: Jeune syndrome; Infantile thoracic dystrophy; Thoracic pelvic phalangeal dystrophy; Jeune's syndrome; Chondroectodermal dysplasia-like syndrome; Short-rib thoracic dysplasia. Identifiers: Orphanet 474, MedGen C0265275, MONDO:0018770.

Allele frequency attached by ClinVar (database versions not stated): gnomAD exomes 0.00001.
gnomAD v4.1: 4 of 1,613,778 alleles (0.00025%); highest among the groups gnomAD compares: Middle Eastern, 0.017%; no homozygotes.

Submission:

Labcorp Genetics (formerly Invitae), Labcorp
Classification: Uncertain significance for Jeune thoracic dystrophy; Nephronophthisis. Last evaluated: 2023-06-17. Review status: criteria provided, single submitter. Criteria: Invitae Variant Classification Sherloc (09022015). Collection method: clinical testing. Allele origin: germline.
Comment: In summary, the available evidence is currently insufficient to determine the role of this variant in disease. Therefore, it has been classified as a Variant of Uncertain Significance. Advanced modeling of protein sequence and biophysical properties (such as structural, functional, and spatial information, amino acid conservation, physicochemical variation, residue mobility, and thermodynamic stability) performed at Invitae indicates that this missense variant is not expected to disrupt TTC21B protein function. ClinVar contains an entry for this variant (Variation ID: 1375350). This variant has not been reported in the literature in individuals affected with TTC21B-related conditions. This variant is not present in population databases (gnomAD no frequency). This sequence change replaces asparagine, which is neutral and polar, with serine, which is neutral and polar, at codon 1040 of the TTC21B protein (p.Asn1040Ser).